The following is an entry in ClinVar:

NM_001201543.2(FAM161A):c.605T>C (p.Met202Thr)

Gene: FAM161A (FAM161 centrosomal protein A; minus strand). Cytogenetic location: 2p15.
Variant type: single nucleotide variant.
Coding change: c.605T>C on transcript NM_001201543.2 (MANE Select); coding-DNA position 605, T replaced by C.
Protein change: p.Met202Thr; replaces methionine 202 with threonine.
Molecular consequence: missense variant. On other transcripts: non-coding transcript variant (1).
Genome position (GRCh38, 1-based): chr2:61,840,399, A>G on the plus strand (T>C on the coding strand, the complement: FAM161A is on the minus strand). VCF-style: chr2-61840399-A-G. GRCh37 (hg19) VCF-style: chr2-62067534-A-G.
Other names: c.605T>C, p.Met202Thr (NM_032180.3); short protein forms M202T.
Identifiers: ClinVar variation 1386717 (VCV001386717.5), dbSNP rs765238873, ClinGen allele CA1679319.

ClinVar aggregate classification (germline): Uncertain significance (1 of 4 stars; one submission).

Allele frequency attached by ClinVar (database versions not stated): gnomAD exomes below 0.00001 and 0.00002; ExAC 0.00002; gnomAD 0.00003 and 0.00004; TOPMed 0.00005.
gnomAD v4.1: 11 of 1,613,982 alleles (0.00068%); highest among the groups gnomAD compares: African/African-American, 0.013%; no homozygotes.

Submission:

Labcorp Genetics (formerly Invitae), Labcorp
Classification: Uncertain significance. Last evaluated: 2022-11-01. Review status: criteria provided, single submitter. Criteria: Invitae Variant Classification Sherloc (09022015). Collection method: clinical testing. Allele origin: germline.
Comment: This sequence change replaces methionine, which is neutral and non-polar, with threonine, which is neutral and polar, at codon 202 of the FAM161A protein (p.Met202Thr). This variant is present in population databases (rs765238873, gnomAD 0.02%). This variant has not been reported in the literature in individuals affected with FAM161A-related conditions. ClinVar contains an entry for this variant (Variation ID: 1386717). Advanced modeling of protein sequence and biophysical properties (such as structural, functional, and spatial information, amino acid conservation, physicochemical variation, residue mobility, and thermodynamic stability) performed at Invitae indicates that this missense variant is expected to disrupt FAM161A protein function. In summary, the available evidence is currently insufficient to determine the role of this variant in disease. Therefore, it has been classified as a Variant of Uncertain Significance.